The following is an entry in ClinVar:

ClinVar aggregate classification (germline): Uncertain significance (1 of 4 stars; one submission).

Conditions:
Autosomal recessive ataxia, Beauce type. Also called: SYNE1-Related Autosomal Recessive Cerebellar Ataxia; SYNE1 Deficiency; Spinocerebellar ataxia, autosomal recessive 8; ATAXIA, RECESSIVE, OF BEAUCE. Identifiers: Orphanet 88644, MedGen C1853116, MONDO:0012549, OMIM 610743.
Emery-Dreifuss muscular dystrophy 4, autosomal dominant (EDMD4). Also called: EMERY-DREIFUSS MUSCULAR DYSTROPHY 4 WITH VARIABLE FEATURES. Identifiers: Orphanet 261, MedGen C2751807, MONDO:0013071, OMIM 612998.

Submission:

Labcorp Genetics (formerly Invitae), Labcorp
Classification: Uncertain significance for Emery-Dreifuss muscular dystrophy 4, autosomal dominant; Autosomal recessive ataxia, Beauce type. Last evaluated: 2024-07-15. Review status: criteria provided, single submitter. Criteria: Invitae Variant Classification Sherloc (09022015). Collection method: clinical testing. Allele origin: germline.
Comment: This sequence change replaces glycine, which is neutral and non-polar, with serine, which is neutral and polar, at codon 5719 of the SYNE1 protein (p.Gly5719Ser). This variant is not present in population databases (gnomAD no frequency). This variant has not been reported in the literature in individuals affected with SYNE1-related conditions. ClinVar contains an entry for this variant (Variation ID: 1355839). An algorithm developed to predict the effect of missense changes on protein structure and function (PolyPhen-2) suggests that this variant is likely to be tolerated. In summary, the available evidence is currently insufficient to determine the role of this variant in disease. Therefore, it has been classified as a Variant of Uncertain Significance.

NM_182961.4(SYNE1):c.17368G>A (p.Gly5790Ser)

Genes: SYNE1 (spectrin repeat containing nuclear envelope protein 1; minus strand), LOC129997480 (ATAC-STARR-seq lymphoblastoid active region 25287; plus strand). Cytogenetic location: 6q25.2.
Variant type: single nucleotide variant.
Coding change: c.17368G>A on transcript NM_182961.4 (MANE Select); coding-DNA position 17368, G replaced by A.
Protein change: p.Gly5790Ser; replaces glycine 5790 with serine.
Molecular consequence: missense variant.
Genome position (GRCh38, 1-based): chr6:152,302,042, C>T on the plus strand (G>A on the coding strand, the complement: SYNE1 is on the minus strand). VCF-style: chr6-152302042-C-T. GRCh37 (hg19) VCF-style: chr6-152623177-C-T.
Other names: c.17155G>A, p.Gly5719Ser (NM_033071.5); short protein forms G5719S, G5790S.
Identifiers: ClinVar variation 1355839 (VCV001355839.8), dbSNP rs764611066, ClinGen allele CA366103946.